The following is an entry in ClinVar:

ClinVar aggregate classification (germline): Uncertain significance (1 of 4 stars; one submission).

Submission:

Labcorp Genetics (formerly Invitae), Labcorp
Classification: Uncertain significance. Last evaluated: 2023-08-10. Review status: criteria provided, single submitter. Criteria: Invitae Variant Classification Sherloc (09022015). Collection method: clinical testing. Allele origin: germline.
Comment: Advanced modeling of protein sequence and biophysical properties (such as structural, functional, and spatial information, amino acid conservation, physicochemical variation, residue mobility, and thermodynamic stability) performed at Invitae indicates that this missense variant is expected to disrupt CDK13 protein function. This sequence change replaces leucine, which is neutral and non-polar, with glutamine, which is neutral and polar, at codon 738 of the CDK13 protein (p.Leu738Gln). This variant is not present in population databases (gnomAD no frequency). This variant has not been reported in the literature in individuals affected with CDK13-related conditions. In summary, the available evidence is currently insufficient to determine the role of this variant in disease. Therefore, it has been classified as a Variant of Uncertain Significance.

NM_003718.5(CDK13):c.2213T>A (p.Leu738Gln)

Gene: CDK13 (cyclin dependent kinase 13; plus strand). Cytogenetic location: 7p14.1.
Variant type: single nucleotide variant.
Coding change: c.2213T>A on transcript NM_003718.5 (MANE Select); coding-DNA position 2213, T replaced by A.
Protein change: p.Leu738Gln; replaces leucine 738 with glutamine.
Molecular consequence: missense variant.
Genome position (GRCh38, 1-based): chr7:40,001,891, T>A. VCF-style: chr7-40001891-T-A. GRCh37 (hg19) VCF-style: chr7-40041490-T-A.
Other names: c.2213T>A, p.Leu738Gln (NM_031267.4); short protein forms L738Q.
Identifiers: ClinVar variation 2751722 (VCV002751722.3), dbSNP rs2483782845, ClinGen allele CA367289177.